The following is an entry in ClinVar:

ClinVar aggregate classification (germline): Pathogenic (1 of 4 stars; one submission).

Conditions:
Methylmalonic acidemia with homocystinuria, type cblJ (MAHCJ). Also called: METHYLMALONIC ACIDURIA AND HOMOCYSTINURIA, cblJ TYPE. Identifiers: Orphanet 369955, MedGen C3553915, MONDO:0013925, OMIM 614857.

Submission:

Labcorp Genetics (formerly Invitae), Labcorp
Classification: Pathogenic for Methylmalonic acidemia with homocystinuria, type cblJ. Last evaluated: 2023-10-28. Review status: criteria provided, single submitter. Criteria: Invitae Variant Classification Sherloc (09022015). Collection method: clinical testing. Allele origin: germline.
Comment: This sequence change creates a premature translational stop signal (p.Arg125Glyfs*64) in the ABCD4 gene. It is expected to result in an absent or disrupted protein product. Loss-of-function variants in ABCD4 are known to be pathogenic (PMID: 22922874). This variant is not present in population databases (gnomAD no frequency). This variant has not been reported in the literature in individuals affected with ABCD4-related conditions. ClinVar contains an entry for this variant (Variation ID: 2141575). Algorithms developed to predict the effect of sequence changes on RNA splicing suggest that this variant may disrupt the consensus splice site. For these reasons, this variant has been classified as Pathogenic.

Literature cited by the submitters: PubMed 22922874.

NM_005050.4(ABCD4):c.373del (p.Arg125fs)

Gene: ABCD4 (ATP binding cassette subfamily D member 4; minus strand). Cytogenetic location: 14q24.3.
Variant type: Deletion.
Coding change: c.373del on transcript NM_005050.4 (MANE Select); coding-DNA position 373, one base deleted (C; older notation c.373delC).
Protein change: p.Arg125fs; shifts the reading frame from arginine 125.
Molecular consequence: frameshift variant. On other transcripts: 5 prime UTR variant (12), non-coding transcript variant (9), intron variant (5).
Genome position (GRCh38, 1-based): chr14:74,297,982, G deleted on the plus strand (C on the coding strand, the reverse complement: ABCD4 is on the minus strand); the first of 2 consecutive G bases (chr14:74,297,982-74,297,983); deleting either gives the same sequence. VCF-style (leftmost placement, unchanged base first): chr14-74297981-CG-C. GRCh37 (hg19) VCF-style: chr14-74764684-CG-C.
Other names: c.373del, p.Arg125fs (NM_001353591.2, NM_001353592.2, NM_020325.3); c.112del, p.Arg38fs (NM_001353593.2, NM_001353594.2); c.-37del (NM_001353595.2, NM_001353596.2, NM_001353597.2); c.-105del (NM_001353598.2, NM_001353600.2); c.-317del (NM_001353602.2); c.-322del (NM_001353603.2, NM_001353605.2, NM_001353606.2 and 3 more transcripts); c.243delC, p.Arg82Glyfs (NM_020323.1); c.-269-1533del (NM_001353604.2); and 2 more; short protein forms R38fs, R125fs.
Identifiers: ClinVar variation 2141575 (VCV002141575.5), dbSNP rs1159673131, ClinGen allele CA708482534.